The following is an entry in ClinVar:

ClinVar aggregate classification (germline): Uncertain significance (1 of 4 stars; one submission).

Submission:

Labcorp Genetics (formerly Invitae), Labcorp
Classification: Uncertain significance. Last evaluated: 2023-10-18. Review status: criteria provided, single submitter. Criteria: Invitae Variant Classification Sherloc (09022015). Collection method: clinical testing. Allele origin: germline.
Comment: This sequence change replaces methionine, which is neutral and non-polar, with leucine, which is neutral and non-polar, at codon 77 of the DCHS1 protein (p.Met77Leu). This variant is not present in population databases (gnomAD no frequency). This variant has not been reported in the literature in individuals affected with DCHS1-related conditions. Advanced modeling of protein sequence and biophysical properties (such as structural, functional, and spatial information, amino acid conservation, physicochemical variation, residue mobility, and thermodynamic stability) performed at Invitae indicates that this missense variant is not expected to disrupt DCHS1 protein function. In summary, the available evidence is currently insufficient to determine the role of this variant in disease. Therefore, it has been classified as a Variant of Uncertain Significance.

NM_003737.4(DCHS1):c.229A>C (p.Met77Leu)

Gene: DCHS1 (dachsous cadherin-related 1; minus strand). Cytogenetic location: 11p15.4.
Variant type: single nucleotide variant.
Coding change: c.229A>C on transcript NM_003737.4 (MANE Select); coding-DNA position 229, A replaced by C.
Protein change: p.Met77Leu; replaces methionine 77 with leucine.
Molecular consequence: missense variant.
Genome position (GRCh38, 1-based): chr11:6,641,385, T>G on the plus strand (A>C on the coding strand, the complement: DCHS1 is on the minus strand). VCF-style: chr11-6641385-T-G. GRCh37 (hg19) VCF-style: chr11-6662616-T-G.
Other names: short protein forms M77L.
Identifiers: ClinVar variation 2757527 (VCV002757527.3), dbSNP rs768049079, ClinGen allele CA379443826.
Genomic context (GRCh38, chr11:6,641,385, plus strand): 5'-GTTCGTCAATGGCCAGGTCTGTGCCCACGCCGCTGCCCTCTTGGGCAGAGATGAAGTACA[T>G]GAGAGGAGCTGCCGTGCCTGCCGGAAGCCCCGCACTGATGTCGCCAATCAGTGTACCCGC-3'
Protein context (NP_003728.1, residues 67-87): GLPAGTAAPL[Met77Leu]YFISAQEGSG